The following is an entry in ClinVar:

NM_001128840.3(CACNA1D):c.2774C>T (p.Ala925Val)

Gene: CACNA1D (calcium voltage-gated channel subunit alpha1 D; plus strand). Cytogenetic location: 3p21.1.
Variant type: single nucleotide variant.
Coding change: c.2774C>T on transcript NM_001128840.3 (MANE Select); coding-DNA position 2774, C replaced by T.
Protein change: p.Ala925Val; replaces alanine 925 with valine.
Molecular consequence: missense variant.
Genome position (GRCh38, 1-based): chr3:53,740,302, C>T. VCF-style: chr3-53740302-C-T. GRCh37 (hg19) VCF-style: chr3-53774329-C-T.
Other names: c.2834C>T (NM_000720.3); c.2834C>T, p.Ala945Val (NM_000720.4); c.2774C>T, p.Ala925Val (NM_001128839.3); short protein forms A925V, A945V.
Identifiers: ClinVar variation 2417354 (VCV002417354.7), dbSNP rs149224560, ClinGen allele CA2454351.
Genomic context (GRCh38, chr3:53,740,302, plus strand): 5'-GAATTCCTTTTCTCACTCCCACATGTTGTGCCTTGCAGATACTGGGTTACTTTGACTATG[C>T]CTTCACAGCCATCTTTACTGTTGAGATCCTGTTGAAGGTAATGAATTTTCCTTGATCTTC-3'
Protein context (NP_001122312.1, residues 915-935): RNTILGYFDY[Ala925Val]FTAIFTVEIL

ClinVar aggregate classification (germline): Uncertain significance. Review status: criteria provided, multiple submitters, no conflicts (2 of 4 stars). 2 submissions from 2 submitters: Uncertain significance (2). Last evaluated 2025-11-18.

Conditions:
CACNA1D-related disorder.

Allele frequency attached by ClinVar (database versions not stated): gnomAD exomes below 0.00001; ExAC 0.00002; gnomAD 0.00003; TOPMed 0.00003; ESP Exome Variant Server 0.00008.
gnomAD v4.1: 6 of 1,612,266 alleles (0.00037%); highest among the groups gnomAD compares: African/African-American, 0.0067%; no homozygotes.

Submissions (2):

Labcorp Genetics (formerly Invitae), Labcorp
Classification: Uncertain significance. Last evaluated: 2025-11-18. Review status: criteria provided, single submitter. Criteria: Invitae Variant Classification Sherloc (09022015). Collection method: clinical testing. Allele origin: germline.
Comment: This sequence change replaces alanine, which is neutral and non-polar, with valine, which is neutral and non-polar, at codon 945 of the CACNA1D protein (p.Ala945Val). This variant is present in population databases (rs149224560, gnomAD 0.01%). This variant has not been reported in the literature in individuals affected with CACNA1D-related conditions. ClinVar contains an entry for this variant (Variation ID: 2417354). Invitae Evidence Modeling of protein sequence and biophysical properties (such as structural, functional, and spatial information, amino acid conservation, physicochemical variation, residue mobility, and thermodynamic stability) indicates that this missense variant is not expected to disrupt CACNA1D protein function with a negative predictive value of 80%. In summary, the available evidence is currently insufficient to determine the role of this variant in disease. Therefore, it has been classified as a Variant of Uncertain Significance.

PreventionGenetics, part of Exact Sciences
Classification: Uncertain significance for CACNA1D-related condition. Last evaluated: 2025-11-18. Review status: criteria provided, single submitter. Criteria: ACMG Guidelines, 2015. Collection method: clinical testing. Allele origin: germline.
Comment: The CACNA1D c.2834C>T variant is predicted to result in the amino acid substitution p.Ala945Val. To our knowledge, this variant has not been reported in the literature. This variant is reported in 0.012% of alleles in individuals of African descent in gnomAD. At this time, the clinical significance of this variant is uncertain due to the absence of conclusive functional and genetic evidence.